The following is an entry in ClinVar:

ClinVar aggregate classification (germline): Uncertain significance (1 of 4 stars; one submission).

Conditions:
Immunodeficiency 67. Also called: Immunodeficiency due to interleukin-1 receptor-associated kinase-4 deficiency. Identifiers: Orphanet 70592, MedGen C1843256, MONDO:0011888, OMIM 607676.

Submission:

Labcorp Genetics (formerly Invitae), Labcorp
Classification: Uncertain significance for Immunodeficiency 67. Last evaluated: 2024-12-09. Review status: criteria provided, single submitter. Criteria: Invitae Variant Classification Sherloc (09022015). Collection method: clinical testing. Allele origin: germline.
Comment: This sequence change replaces valine, which is neutral and non-polar, with glycine, which is neutral and non-polar, at codon 11 of the IRAK4 protein (p.Val11Gly). This variant is not present in population databases (gnomAD no frequency). This variant has not been reported in the literature in individuals affected with IRAK4-related conditions. ClinVar contains an entry for this variant (Variation ID: 960941). Invitae Evidence Modeling of protein sequence and biophysical properties (such as structural, functional, and spatial information, amino acid conservation, physicochemical variation, residue mobility, and thermodynamic stability) indicates that this missense variant is expected to disrupt IRAK4 protein function with a positive predictive value of 80%. In summary, the available evidence is currently insufficient to determine the role of this variant in disease. Therefore, it has been classified as a Variant of Uncertain Significance.

NM_016123.4(IRAK4):c.32T>G (p.Val11Gly)

Gene: IRAK4 (interleukin 1 receptor associated kinase 4; plus strand). Cytogenetic location: 12q12.
Variant type: single nucleotide variant.
Coding change: c.32T>G on transcript NM_016123.4 (MANE Select); coding-DNA position 32, T replaced by G.
Protein change: p.Val11Gly; replaces valine 11 with glycine.
Molecular consequence: missense variant. On other transcripts: 5 prime UTR variant (8), intron variant (2).
Genome position (GRCh38, 1-based): chr12:43,768,143, T>G. VCF-style: chr12-43768143-T-G. GRCh37 (hg19) VCF-style: chr12-44161946-T-G.
Other names: c.32T>G, p.Val11Gly (NM_001114182.3, NM_001351345.2); c.-195T>G (NM_001145256.2, NM_001145257.2, NM_001351338.2); c.-408T>G (NM_001351339.2, NM_001351340.2, NM_001351341.2); c.-346T>G (NM_001351343.2, NM_001351344.2); c.-278-2895T>G (NM_001351342.2); c.-65-4037T>G (NM_001145258.2); short protein forms V11G.
Identifiers: ClinVar variation 960941 (VCV000960941.10), dbSNP rs1940363408, ClinGen allele CA384464395.